The following is an entry in ClinVar:

NM_001191061.2(SLC25A22):c.705T>C (p.Ala235=)

Gene: SLC25A22 (solute carrier family 25 member 22; minus strand). Cytogenetic location: 11p15.5.
Variant type: single nucleotide variant.
Coding change: c.705T>C on transcript NM_001191061.2 (MANE Select); coding-DNA position 705, T replaced by C.
Protein change: p.Ala235=; no amino-acid change (alanine 235 retained).
Molecular consequence: synonymous variant.
Genome position (GRCh38, 1-based): chr11:792,341, A>G on the plus strand (T>C on the coding strand, the complement: SLC25A22 is on the minus strand). VCF-style: chr11-792341-A-G. GRCh37 (hg19) VCF-style: chr11-792341-A-G.
Other names: p.A235A:GCT>GCC; c.705T>C, p.Ala235= (NM_001191060.2, NM_024698.6).
Identifiers: ClinVar variation 139142 (VCV000139142.40), dbSNP rs142861804, ClinGen allele CA293522.

ClinVar aggregate classification (germline): Benign/Likely benign. Review status: criteria provided, multiple submitters, no conflicts (2 of 4 stars). 9 submissions from 9 submitters: Benign (2); Likely benign (5). 2 of the submissions do not count toward it. Last evaluated 2026-04-01.

Conditions:
Early-infantile DEE. Also called: Early infantile epileptic encephalopathy; Early infantile epileptic encephalopathy with suppression bursts; Ohtahara syndrome. Identifiers: Orphanet 1934, MedGen C0393706, MONDO:0800491.
Inborn genetic diseases. Identifiers: MedGen C0950123, MeSH D030342.
Early Myoclonic Encephalopathy. Identifiers: MedGen C0270855.

Allele frequency attached by ClinVar (database versions not stated): gnomAD exomes 0.00022 and 0.00056; ExAC 0.00074; 1000 Genomes Project 0.00100; 1000 Genomes Project 30x 0.00109; gnomAD 0.00238 and 0.00262; ESP Exome Variant Server 0.00262; TOPMed 0.00283.

Submissions (9):

CeGaT Center for Human Genetics Tuebingen
Classification: Likely benign. Last evaluated: 2026-04-01. Review status: criteria provided, single submitter. Criteria: CeGaT Center For Human Genetics Tuebingen Variant Classification Criteria Version 2. Collection method: clinical testing. Allele origin: germline. Affected: yes. Observed: 3 variant alleles.
Comment: SLC25A22: BP4, BP7

Labcorp Genetics (formerly Invitae), Labcorp
Classification: Benign for Early-infantile DEE. Last evaluated: 2026-02-02. Review status: criteria provided, single submitter. Criteria: Invitae Variant Classification Sherloc (09022015). Collection method: clinical testing. Allele origin: germline.

Blueprint Genetics
Classification: Likely benign. Last evaluated: 2024-10-18. Review status: criteria provided, single submitter. Criteria: ACMG Guidelines, 2015. Collection method: clinical testing. Allele origin: germline.

Illumina Laboratory Services, Illumina
Classification: Likely benign for Developmental and epileptic encephalopathy, 3. Last evaluated: 2018-01-13. Review status: criteria provided, single submitter. Criteria: ICSL Variant Classification Criteria 13 December 2019. Collection method: clinical testing. Allele origin: germline.
Comment: This variant was observed in the ICSL laboratory as part of a predisposition screen in an ostensibly healthy population. It had not been previously curated by ICSL or reported in the Human Gene Mutation Database (HGMD: prior to June 1st, 2018), and was therefore a candidate for classification through an automated scoring system. Utilizing variant allele frequency, disease prevalence and penetrance estimates, and inheritance mode, an automated score was calculated to assess if this variant is too frequent to cause the disease. Based on the score and internal cut-off values, a variant classified as likely benign is not then subjected to further curation. The score for this variant resulted in a classification of likely benign for this disease.

Ambry Genetics
Classification: Likely benign for Inborn genetic diseases. Last evaluated: 2017-01-23. Review status: criteria provided, single submitter. Criteria: Ambry Variant Classification Scheme 2023. Collection method: clinical testing. Allele origin: germline.

Eurofins Ntd Llc (ga)
Classification: Likely benign. Last evaluated: 2016-10-17. Review status: criteria provided, single submitter. Criteria: EGL Classification Definitions 2015. Collection method: clinical testing. Allele origin: germline. Observed: 1 variant allele, 1 heterozygote.

GeneDx
Classification: Benign. Last evaluated: 2014-01-23. Review status: criteria provided, single submitter. Criteria: GeneDx Variant Classification (06012015). Collection method: clinical testing. Allele origin: germline. Affected: yes.
Comment: This variant is considered likely benign or benign based on one or more of the following criteria: it is a conservative change, it occurs at a poorly conserved position in the protein, it is predicted to be benign by multiple in silico algorithms, and/or has population frequency not consistent with disease.

Clinical Genetics DNA and cytogenetics Diagnostics Lab, Erasmus MC, Erasmus Medical Center
Classification: Likely benign. Review status: no assertion criteria provided. Collection method: clinical testing. Allele origin: germline. Affected: yes. Study: VKGL Data-share Consensus. Not counted in ClinVar's aggregate classification.

Genome Diagnostics Laboratory, University Medical Center Utrecht
Classification: Likely benign. Review status: no assertion criteria provided. Collection method: clinical testing. Allele origin: germline. Affected: yes. Study: VKGL Data-share Consensus. Not counted in ClinVar's aggregate classification.